The following is an entry in ClinVar:

ClinVar aggregate classification (germline): Uncertain significance (1 of 4 stars; one submission).

Conditions:
Hereditary cancer-predisposing syndrome. Also called: Neoplastic Syndromes, Hereditary; Tumor predisposition; Hereditary neoplastic syndrome; Hereditary Cancer Syndrome. Identifiers: Orphanet 140162, MedGen C0027672, MeSH D009386, MONDO:0015356.

Submission:

Ambry Genetics
Classification: Uncertain significance for Hereditary cancer-predisposing syndrome. Last evaluated: 2023-12-27. Review status: criteria provided, single submitter. Criteria: Ambry Variant Classification Scheme 2023. Collection method: clinical testing. Allele origin: germline.
Comment: The p.E455K variant (also known as c.1363G>A), located in coding exon 11 of the SUFU gene, results from a G to A substitution at nucleotide position 1363. The glutamic acid at codon 455 is replaced by lysine, an amino acid with similar properties. This amino acid position is conserved. In addition, this alteration is predicted to be tolerated by in silico analysis. Since supporting evidence is limited at this time, the clinical significance of this alteration remains unclear.

NM_016169.4(SUFU):c.1363G>A (p.Glu455Lys)

Gene: SUFU (SUFU negative regulator of hedgehog signaling; plus strand). Cytogenetic location: 10q24.32.
Variant type: single nucleotide variant.
Coding change: c.1363G>A on transcript NM_016169.4 (MANE Select); coding-DNA position 1363, G replaced by A.
Protein change: p.Glu455Lys; replaces glutamic acid 455 with lysine.
Molecular consequence: missense variant.
Genome position (GRCh38, 1-based): chr10:102,627,241, G>A. VCF-style: chr10-102627241-G-A. GRCh37 (hg19) VCF-style: chr10-104386998-G-A.
Other names: short protein forms E455K.
Identifiers: ClinVar variation 3226871 (VCV003226871.1), dbSNP rs2492837311, ClinGen allele CA377918869.